The following is an entry in ClinVar:

NM_000455.5(STK11):c.337C>A (p.Leu113Met)

Gene: STK11 (serine/threonine kinase 11; plus strand). Cytogenetic location: 19p13.3.
Variant type: single nucleotide variant.
Coding change: c.337C>A on transcript NM_000455.5 (MANE Select); coding-DNA position 337, C replaced by A.
Protein change: p.Leu113Met; replaces leucine 113 with methionine.
Molecular consequence: missense variant.
Genome position (GRCh38, 1-based): chr19:1,218,463, C>A. VCF-style: chr19-1218463-C-A. GRCh37 (hg19) VCF-style: chr19-1218462-C-A.
Other names: short protein forms L113M.
Identifiers: ClinVar variation 1465824 (VCV001465824.6), dbSNP rs1555737432, ClinGen allele CA402947768.
Genomic context (GRCh38, chr19:1,218,463, plus strand): 5'-CCTCTCTGTCCCAGGGAAATTCAACTACTGAGGAGGTTACGGCACAAAAATGTCATCCAG[C>A]TGGTGGATGTGTTATACAACGAAGAGAAGCAGAAAATATATCCTTTCCGGTGTTGGGACC-3'
Protein context (NP_000446.1, residues 103-123): RRLRHKNVIQ[Leu113Met]VDVLYNEEKQ

ClinVar aggregate classification (germline): Uncertain significance (1 of 4 stars; one submission).

Conditions:
Peutz-Jeghers syndrome (PJS). Also called: Peutz-Jeghers polyposis; Periorificial lentiginosis syndrome; POLYPOSIS, HAMARTOMATOUS INTESTINAL; POLYPS-AND-SPOTS SYNDROME. Identifiers: Orphanet 2869, MedGen C0031269, MeSH D010580, MONDO:0008280, OMIM 175200.

Submission:

Labcorp Genetics (formerly Invitae), Labcorp
Classification: Uncertain significance for Peutz-Jeghers syndrome. Last evaluated: 2021-11-19. Review status: criteria provided, single submitter. Criteria: Invitae Variant Classification Sherloc (09022015). Collection method: clinical testing. Allele origin: germline.
Comment: In summary, the available evidence is currently insufficient to determine the role of this variant in disease. Therefore, it has been classified as a Variant of Uncertain Significance. Advanced modeling of protein sequence and biophysical properties (such as structural, functional, and spatial information, amino acid conservation, physicochemical variation, residue mobility, and thermodynamic stability) performed at Invitae indicates that this missense variant is expected to disrupt STK11 protein function. This variant has not been reported in the literature in individuals affected with STK11-related conditions. This variant is not present in population databases (gnomAD no frequency). This sequence change replaces leucine, which is neutral and non-polar, with methionine, which is neutral and non-polar, at codon 113 of the STK11 protein (p.Leu113Met).